The following is an entry in ClinVar:

NM_000179.3(MSH6):c.2648A>T (p.Lys883Met)

Gene: MSH6 (mutS homolog 6; plus strand). Cytogenetic location: 2p16.3.
Variant type: single nucleotide variant.
Coding change: c.2648A>T on transcript NM_000179.3 (MANE Select); coding-DNA position 2648, A replaced by T.
Protein change: p.Lys883Met; replaces lysine 883 with methionine.
Molecular consequence: missense variant. On other transcripts: non-coding transcript variant (5), intron variant (3).
Genome position (GRCh38, 1-based): chr2:47,800,631, A>T. VCF-style: chr2-47800631-A-T. GRCh37 (hg19) VCF-style: chr2-48027770-A-T.
Other names: c.2258A>T, p.Lys753Met (NM_001281492.2); c.1742A>T, p.Lys581Met (NM_001281493.2, NM_001281494.2, NM_001406811.1 and 6 more transcripts); c.2744A>T, p.Lys915Met (NM_001406795.1, NM_001406802.1); c.2648A>T, p.Lys883Met (NM_001406796.1, NM_001406798.1, NM_001406800.1 and 2 more transcripts); c.2351A>T, p.Lys784Met (NM_001406797.1, NM_001406801.1, NM_001406805.1 and 10 more transcripts); c.2123A>T, p.Lys708Met (NM_001406799.1, NM_001406806.1, NM_001406807.1); c.2570A>T, p.Lys857Met (NM_001406804.1); c.2654A>T, p.Lys885Met (NM_001406813.1); and 4 more; short protein forms K581M, K708M, K753M, K784M, K827M, K857M, K883M, K885M.
Identifiers: ClinVar variation 4757651 (VCV004757651.1).
Genomic context (GRCh38, chr2:47,800,631, plus strand): 5'-AAGGATTCAAAGTAATGTGTAAAATTATAGGGATCATGGAAGAAGTTGCTGATGGTTTTA[A>T]GTCTAAAATCCTTAAGCAGGTCATCTCTCTGCAGACAAAAAATCCTGAAGGTCGTTTTCC-3'
Protein context (NP_000170.1, residues 873-893): GIMEEVADGF[Lys883Met]SKILKQVISL

ClinVar aggregate classification (germline): Uncertain significance (1 of 4 stars; one submission).

Conditions:
Hereditary cancer-predisposing syndrome. Also called: Tumor predisposition; Hereditary Cancer Syndrome; Neoplastic Syndromes, Hereditary; Hereditary neoplastic syndrome. Identifiers: Orphanet 140162, MedGen C0027672, MeSH D009386, MONDO:0015356.

Submission:

Color Diagnostics, LLC DBA Color Health
Classification: Uncertain significance for Hereditary cancer-predisposing syndrome. Last evaluated: 2025-06-30. Review status: criteria provided, single submitter. Criteria: ACMG Guidelines, 2015. Collection method: clinical testing. Allele origin: germline.
Comment: This missense variant replaces lysine with methionine at codon 883 of the MSH6 protein. Computational prediction is inconclusive regarding the impact of this variant on protein structure and function. To our knowledge, functional studies have not been reported for this variant. This variant has not been reported in individuals affected with MSH6-related disorders in the literature. This variant has not been identified in the general population by the Genome Aggregation Database (gnomAD). The available evidence is insufficient to determine the role of this variant in disease conclusively. Therefore, this variant is classified as a Variant of Uncertain Significance.